The following is an entry in ClinVar:

ClinVar aggregate classification (germline): Benign/Likely benign. Review status: criteria provided, multiple submitters, no conflicts (2 of 4 stars). 2 submissions from 2 submitters: Benign (1); Likely benign (1). Last evaluated 2026-09-23.

Conditions:
Neurofibromatosis, type 1 (NF1). Also called: VON RECKLINGHAUSEN DISEASE; NEUROFIBROMATOSIS, TYPE I, SOMATIC; Peripheral type neurofibromatosis; Neurofibromatosis, type I. Identifiers: Orphanet 636, MedGen C0027831, MONDO:0018975, OMIM 162200. Disease mechanism: loss of function.

gnomAD v4.1: 2 of 1,539,786 alleles (0.00013%); highest among the groups gnomAD compares: South Asian, 0.0024%; no homozygotes.

Submissions (2):

Myriad Genetics, Inc.
Classification: Benign for Neurofibromatosis, type 1. Last evaluated: 2026-09-23. Review status: criteria provided, single submitter. Criteria: Myriad Autosomal Dominant, Autosomal Recessive and X-Linked Classification Criteria (2023). Collection method: clinical testing. Allele origin: unknown.
Comment: This variant is considered benign. This variant is a silent/synonymous amino acid change and it is not expected to impact splicing.

Labcorp Genetics (formerly Invitae), Labcorp
Classification: Likely benign for Neurofibromatosis, type 1. Last evaluated: 2024-11-03. Review status: criteria provided, single submitter. Criteria: Invitae Variant Classification Sherloc (09022015). Collection method: clinical testing. Allele origin: germline.

NM_001042492.3(NF1):c.57G>A (p.Glu19=)

Genes: MIR4733HG (MIR4733 host gene; minus strand), NF1 (neurofibromin 1; plus strand), LOC111811965 (NF1 (neurofibromin 1) promoter region; plus strand). Cytogenetic location: 17q11.2.
Variant type: single nucleotide variant.
Coding change: c.57G>A on transcript NM_001042492.3 (MANE Select); coding-DNA position 57, G replaced by A.
Protein change: p.Glu19=; no amino-acid change (glutamic acid 19 retained).
Molecular consequence: synonymous variant. On other transcripts: non-coding transcript variant (1).
Genome position (GRCh38, 1-based): chr17:31,095,366, G>A. VCF-style: chr17-31095366-G-A. GRCh37 (hg19) VCF-style: chr17-29422384-G-A.
Other names: c.57G>A, p.Glu19= (NM_000267.4, NM_001128147.3).
Identifiers: ClinVar variation 3676543 (VCV003676543.3).